The following is an entry in ClinVar:

ClinVar aggregate classification (germline): Benign (1 of 4 stars; one submission).

Conditions:
Autosomal recessive proximal renal tubular acidosis (PRTAO). Also called: RTA, PROXIMAL, AUTOSOMAL RECESSIVE; RENAL TUBULAR ACIDOSIS, PROXIMAL, WITH OCULAR ABNORMALITIES AND MENTAL RETARDATION; RENAL TUBULAR ACIDOSIS, PROXIMAL, WITH OCULAR ABNORMALITIES AND IMPAIRED INTELLECTUAL DEVELOPMENT; PROXIMAL RENAL TUBULAR ACIDOSIS-OCULAR ANOMALY SYNDROME. Identifiers: Orphanet 93607, MedGen C1970309, MONDO:0011422, OMIM 604278.

Allele frequency attached by ClinVar (database versions not stated): gnomAD 0.00004 and 0.00144; TOPMed 0.00031; 1000 Genomes Project 30x 0.01031; 1000 Genomes Project 0.01038.

Submission:

Illumina Laboratory Services, Illumina
Classification: Benign for Autosomal recessive proximal renal tubular acidosis. Last evaluated: 2018-01-12. Review status: criteria provided, single submitter. Criteria: ICSL Variant Classification Criteria 13 December 2019. Collection method: clinical testing. Allele origin: germline.
Comment: This variant was observed in the ICSL laboratory as part of a predisposition screen in an ostensibly healthy population. It had not been previously curated by ICSL or reported in the Human Gene Mutation Database (HGMD: prior to June 1st, 2018), and was therefore a candidate for classification through an automated scoring system. Utilizing variant allele frequency, disease prevalence and penetrance estimates, and inheritance mode, an automated score was calculated to assess if this variant is too frequent to cause the disease. Based on the score and internal cut-off values, a variant classified as benign is not then subjected to further curation. The score for this variant resulted in a classification of benign for this disease.

NM_001098484.3(SLC4A4):c.*2346T>C

Gene: SLC4A4 (solute carrier family 4 member 4; plus strand). Cytogenetic location: 4q13.3.
Variant type: single nucleotide variant.
Coding change: c.*2346T>C on transcript NM_001098484.3 (MANE Select); 2346 bases downstream of the stop codon, T replaced by C.
Molecular consequence: 3 prime UTR variant.
Genome position (GRCh38, 1-based): chr4:71,570,097, T>C. VCF-style: chr4-71570097-T-C. GRCh37 (hg19) VCF-style: chr4-72435814-T-C.
Other names: c.*2204T>C (NM_001134742.2); c.*2346T>C (NM_003759.4).
Identifiers: ClinVar variation 349595 (VCV000349595.5), dbSNP rs369784676, ClinGen allele CA10619160.